The following is an entry in ClinVar:

NM_007294.4(BRCA1):c.671C>T (p.Ala224Val)

Gene: BRCA1 (BRCA1 DNA repair associated; minus strand). Cytogenetic location: 17q21.31.
Variant type: single nucleotide variant.
Coding change: c.671C>T on transcript NM_007294.4 (MANE Select); coding-DNA position 671, C replaced by T.
Protein change: p.Ala224Val; replaces alanine 224 with valine.
Molecular consequence: missense variant. On other transcripts: non-coding transcript variant (1).
Genome position (GRCh38, 1-based): chr17:43,094,860, G>A on the plus strand (C>T on the coding strand, the complement: BRCA1 is on the minus strand). VCF-style: chr17-43094860-G-A. GRCh37 (hg19) VCF-style: chr17-41246877-G-A.
Other names: c.458C>T, p.Ala153Val (NM_001407571.1, NM_001407853.1, NM_001407894.1 and 12 more transcripts); c.671C>T, p.Ala224Val (NM_001407581.1, NM_001407582.1, NM_001407583.1 and 54 more transcripts); c.668C>T, p.Ala223Val (NM_001407587.1, NM_001407590.1, NM_001407591.1 and 38 more transcripts); c.662C>T, p.Ala221Val (NM_001407646.1, NM_001407647.1, NM_001408408.1); c.548C>T, p.Ala183Val (NM_001407648.1, NM_001407664.1, NM_001407665.1 and 34 more transcripts); c.545C>T, p.Ala182Val (NM_001407649.1, NM_001407670.1, NM_001407671.1 and 20 more transcripts); c.593C>T, p.Ala198Val (NM_001407653.1, NM_001407654.1, NM_001407655.1 and 9 more transcripts); c.590C>T, p.Ala197Val (NM_001407659.1, NM_001407660.1, NM_001407661.1 and 3 more transcripts); and 14 more; short protein forms A224V, A177V, A153V, A154V, A113V, A157V, A179V, A182V.
Identifiers: ClinVar variation 409319 (VCV000409319.10), dbSNP rs1060502335, ClinGen allele CA10600747.

ClinVar aggregate classification (germline): Uncertain significance (1 of 4 stars; one submission).

Conditions:
Hereditary breast ovarian cancer syndrome. Also called: BRCA1- and BRCA2-Associated Hereditary Breast and Ovarian Cancer; Hereditary breast and ovarian cancer syndrome (HBOC); Hereditary breast and ovarian cancer; Hereditary breast and ovarian cancer syndrome; Breast and ovarian cancer; Hereditary breast and/or ovarian cancer syndrome. Identifiers: Orphanet 145, MedGen C0677776, MeSH D061325, MONDO:0003582. Disease mechanism: loss of function.

Submission:

Labcorp Genetics (formerly Invitae), Labcorp
Classification: Uncertain significance for Hereditary breast ovarian cancer syndrome. Last evaluated: 2025-05-12. Review status: criteria provided, single submitter. Criteria: Invitae Variant Classification Sherloc (09022015). Collection method: clinical testing. Allele origin: germline.
Comment: This sequence change replaces alanine, which is neutral and non-polar, with valine, which is neutral and non-polar, at codon 224 of the BRCA1 protein (p.Ala224Val). This variant is not present in population databases (gnomAD no frequency). This variant has not been reported in the literature in individuals affected with BRCA1-related conditions. ClinVar contains an entry for this variant (Variation ID: 409319). An algorithm developed to predict the effect of missense changes on protein structure and function (PolyPhen-2) suggests that this variant is likely to be tolerated. In summary, the available evidence is currently insufficient to determine the role of this variant in disease. Therefore, it has been classified as a Variant of Uncertain Significance.